The following is an entry in ClinVar:

ClinVar aggregate classification (germline): Uncertain significance (1 of 4 stars; one submission).

Submission:

GeneDx
Classification: Uncertain significance. Last evaluated: 2014-04-18. Review status: criteria provided, single submitter. Criteria: GeneDx Variant Classification (06012015). Collection method: clinical testing. Allele origin: germline. Affected: yes.
Comment: p.Gly70Ala (GGT>GCT): c.209 G>C in exon 3 of the JUP gene (NM_002230.2). The G70A variant has not been published as a mutation, nor has it been reported as a benign polymorphism to our knowledge. The G70A variant is a conservative amino acid substitution, which is not likely to impact secondary protein structure as these residues share similar properties. This substitution occurs at a position that is not well conserved across species. Consequently, in silico analysis predicts this variant likely does not alter the protein structure/function. The G70A variant was not observed in approximately 6,500 individuals of European and African American ancestry in the NHLBI Exome Sequencing Project, indicating it is not a common benign variant in these populations. Therefore, based on the currently available information, it is unclear whether this variant is a pathogenic mutation or a rare benign variant. The variant is found in ARRHYTHMIA panel(s).

NM_002230.4(JUP):c.209G>C (p.Gly70Ala)

Gene: JUP (junction plakoglobin; minus strand). Cytogenetic location: 17q21.2.
Variant type: single nucleotide variant.
Coding change: c.209G>C on transcript NM_002230.4 (MANE Select); coding-DNA position 209, G replaced by C.
Protein change: p.Gly70Ala; replaces glycine 70 with alanine.
Molecular consequence: missense variant.
Genome position (GRCh38, 1-based): chr17:41,769,677, C>G on the plus strand (G>C on the coding strand, the complement: JUP is on the minus strand). VCF-style: chr17-41769677-C-G. GRCh37 (hg19) VCF-style: chr17-39925929-C-G.
Other names: p.G70A:GGT>GCT; c.209G>C, p.Gly70Ala (NM_001352773.2, NM_001352774.2, NM_001352775.2 and 3 more transcripts); short protein forms G70A.
Identifiers: ClinVar variation 201808 (VCV000201808.2), dbSNP rs794729030, ClinGen allele CA308446.